The following is an entry in ClinVar:

ClinVar aggregate classification (germline): Uncertain significance (1 of 4 stars; one submission).

Conditions:
Epileptic encephalopathy. Identifiers: MedGen C0543888, HP:0200134.

Allele frequency attached by ClinVar (database versions not stated): TOPMed 0.00001; gnomAD 0.00002; ESP Exome Variant Server 0.00008.
gnomAD v4.1: 17 of 1,613,802 alleles (0.0011%); highest among the groups gnomAD compares: African/African-American, 0.0093%; no homozygotes.

Submission:

Labcorp Genetics (formerly Invitae), Labcorp
Classification: Uncertain significance for Epileptic encephalopathy. Last evaluated: 2020-07-24. Review status: criteria provided, single submitter. Criteria: Invitae Variant Classification Sherloc (09022015). Collection method: clinical testing. Allele origin: germline.
Comment: This sequence change replaces valine with methionine at codon 669 of the RYR3 protein (p.Val669Met). The valine residue is highly conserved and there is a small physicochemical difference between valine and methionine. In summary, the available evidence is currently insufficient to determine the role of this variant in disease. Therefore, it has been classified as a Variant of Uncertain Significance. Algorithms developed to predict the effect of missense changes on protein structure and function are either unavailable or do not agree on the potential impact of this missense change (SIFT: "Deleterious"; PolyPhen-2: "Probably Damaging"; Align-GVGD: "Class C15"). This variant has not been reported in the literature in individuals with RYR3-related conditions. This variant is not present in population databases (ExAC no frequency).

NM_001036.6(RYR3):c.2005G>A (p.Val669Met)

Gene: RYR3 (ryanodine receptor 3; plus strand). Cytogenetic location: 15q14.
Variant type: single nucleotide variant.
Coding change: c.2005G>A on transcript NM_001036.6 (MANE Select); coding-DNA position 2005, G replaced by A.
Protein change: p.Val669Met; replaces valine 669 with methionine.
Molecular consequence: missense variant.
Genome position (GRCh38, 1-based): chr15:33,603,205, G>A. VCF-style: chr15-33603205-G-A. GRCh37 (hg19) VCF-style: chr15-33895406-G-A.
Other names: c.2005G>A, p.Val669Met (NM_001243996.4); short protein forms V669M.
Identifiers: ClinVar variation 1053583 (VCV001053583.9), dbSNP rs374941142, ClinGen allele CA268546592.